The following is an entry in ClinVar:

ClinVar aggregate classification (germline): Benign (1 of 4 stars; one submission).

Conditions:
Intellectual developmental disorder, X-linked 93. Also called: MENTAL RETARDATION, X-LINKED, WITH MACROCEPHALY; Intellectual disability, X-linked 93. Identifiers: MedGen C1970841, MONDO:0010393, OMIM 300659.

Allele frequency attached by ClinVar (database versions not stated): gnomAD 0.16327 and 0.15763; 1000 Genomes Project 30x 0.22164; TOPMed 0.15750; 1000 Genomes Project 0.22437.
gnomAD v4.1: 17,870 of 109,484 alleles (16%); highest among the groups gnomAD compares: South Asian, 43%; 1,155 homozygotes.

Submission:

Illumina Laboratory Services, Illumina
Classification: Benign for Intellectual developmental disorder, X-linked 93. Last evaluated: 2017-04-27. Review status: criteria provided, single submitter. Criteria: ICSL Variant Classification Criteria 13 December 2019. Collection method: clinical testing. Allele origin: germline.
Comment: This variant was observed as part of a predisposition screen in an ostensibly healthy population. A literature search was performed for the gene, cDNA change, and amino acid change (where applicable). No publications were found based on this search. Allele frequency data from public databases was too high to be consistent with this variant causing disease. Therefore, this variant is classified as benign.

NM_153252.5(BRWD3):c.*5993G>C

Gene: BRWD3 (bromodomain and WD repeat domain containing 3; minus strand). Cytogenetic location: Xq21.1.
Variant type: single nucleotide variant.
Coding change: c.*5993G>C on transcript NM_153252.5 (MANE Select); 5993 bases downstream of the stop codon, G replaced by C.
Molecular consequence: 3 prime UTR variant.
Genome position (GRCh38, 1-based): chrX:80,670,616, C>G on the plus strand (G>C on the coding strand, the complement: BRWD3 is on the minus strand). VCF-style: chrX-80670616-C-G. GRCh37 (hg19) VCF-style: chrX-79926115-C-G.
Identifiers: ClinVar variation 368687 (VCV000368687.5), dbSNP rs7065450, ClinGen allele CA10646395.